The following is an entry in ClinVar:

NM_001258392.3(CLPB):c.1252A>C (p.Asn418His)

Genes: CLPB (ClpB family mitochondrial disaggregase; minus strand), LOC126861258 (MED14-independent group 3 enhancer GRCh37_chr11:72012242-72013441; plus strand). Cytogenetic location: 11q13.4.
Variant type: single nucleotide variant.
Coding change: c.1252A>C on transcript NM_001258392.3 (MANE Select); coding-DNA position 1252, A replaced by C.
Protein change: p.Asn418His; replaces asparagine 418 with histidine.
Molecular consequence: missense variant.
Genome position (GRCh38, 1-based): chr11:72,301,880, T>G on the plus strand (A>C on the coding strand, the complement: CLPB is on the minus strand). VCF-style: chr11-72301880-T-G. GRCh37 (hg19) VCF-style: chr11-72012924-T-G.
Other names: c.1165A>C, p.Asn389His (NM_001258393.3); c.1207A>C, p.Asn403His (NM_001258394.3); c.1342A>C, p.Asn448His (NM_030813.6); short protein forms N403H, N418H, N448H, N389H.
Identifiers: ClinVar variation 2170435 (VCV002170435.4), dbSNP rs2539343418, ClinGen allele CA381732790.
Genomic context (GRCh38, chr11:72,301,880, plus strand): 5'-GCATGATGGTGAGCACATCTGGATGGGCCTTGTCTACTTCATCAAAGAGCACCACAGCAT[T>G]GGGGCACTGCTTCAACTTCTTGGTCAGCTGGCCACCCTCCTCATGGCCAACGTAGCCTGG-3'
Protein context (NP_001245321.1, residues 408-428): QLTKKLKQCP[Asn418His]AVVLFDEVDK

ClinVar aggregate classification (germline): Uncertain significance (1 of 4 stars; one submission).

Conditions:
3-methylglutaconic aciduria, type VIIB (MGCA7B). Also called: 3-methylglutaconic aciduria with cataracts, neurologic involvement and neutropenia; CLPB Deficiency; 3-methylglutaconic aciduria, type VII, with cataracts, neurologic involvement and neutropenia. Identifiers: Orphanet 445038, MedGen C5676893, MONDO:0014561, OMIM 616271.

gnomAD v4.1: 1 of 1,614,158 alleles (0.000062%); no homozygotes.

Submission:

Labcorp Genetics (formerly Invitae), Labcorp
Classification: Uncertain significance for 3-methylglutaconic aciduria, type VIIB. Last evaluated: 2022-10-07. Review status: criteria provided, single submitter. Criteria: Invitae Variant Classification Sherloc (09022015). Collection method: clinical testing. Allele origin: germline.
Comment: In summary, the available evidence is currently insufficient to determine the role of this variant in disease. Therefore, it has been classified as a Variant of Uncertain Significance. Algorithms developed to predict the effect of missense changes on protein structure and function are either unavailable or do not agree on the potential impact of this missense change (SIFT: "Tolerated"; PolyPhen-2: "Probably Damaging"; Align-GVGD: "Class C0"). This variant has not been reported in the literature in individuals affected with CLPB-related conditions. This variant is not present in population databases (gnomAD no frequency). This sequence change replaces asparagine, which is neutral and polar, with histidine, which is basic and polar, at codon 448 of the CLPB protein (p.Asn448His).